The following is an entry in ClinVar:

NM_000397.4(CYBB):c.1078G>C (p.Asp360His)

Gene: CYBB (cytochrome b-245 beta chain; plus strand). Cytogenetic location: Xp11.4.
Variant type: single nucleotide variant.
Coding change: c.1078G>C on transcript NM_000397.4 (MANE Select); coding-DNA position 1078, G replaced by C.
Protein change: p.Asp360His; replaces aspartic acid 360 with histidine.
Molecular consequence: missense variant.
Genome position (GRCh38, 1-based): chrX:37,804,057, G>C. VCF-style: chrX-37804057-G-C. GRCh37 (hg19) VCF-style: chrX-37663310-G-C.
Other names: short protein forms D360H.
Identifiers: ClinVar variation 1999824 (VCV001999824.4), dbSNP rs2519208795, ClinGen allele CA412977416.

ClinVar aggregate classification (germline): Uncertain significance (1 of 4 stars; one submission).

Conditions:
Granulomatous disease, chronic, X-linked. Also called: GRANULOMATOUS DISEASE, CHRONIC, X-LINKED, SOMATIC MOSAIC; CYTOCHROME b-NEGATIVE GRANULOMATOUS DISEASE, CHRONIC, X-LINKED. Identifiers: Orphanet 379, MedGen C1844376, MONDO:0010600, OMIM 306400.

Submission:

Labcorp Genetics (formerly Invitae), Labcorp
Classification: Uncertain significance for Granulomatous disease, chronic, X-linked. Last evaluated: 2022-05-28. Review status: criteria provided, single submitter. Criteria: Invitae Variant Classification Sherloc (09022015). Collection method: clinical testing. Allele origin: germline.
Comment: This sequence change replaces aspartic acid, which is acidic and polar, with histidine, which is basic and polar, at codon 360 of the CYBB protein (p.Asp360His). This variant is not present in population databases (gnomAD no frequency). This variant has not been reported in the literature in individuals affected with CYBB-related conditions. Advanced modeling of protein sequence and biophysical properties (such as structural, functional, and spatial information, amino acid conservation, physicochemical variation, residue mobility, and thermodynamic stability) performed at Invitae indicates that this missense variant is expected to disrupt CYBB protein function. In summary, the available evidence is currently insufficient to determine the role of this variant in disease. Therefore, it has been classified as a Variant of Uncertain Significance.